The following is an entry in ClinVar:

ClinVar aggregate classification (germline): Pathogenic (1 of 4 stars; one submission).

Submission:

Labcorp Genetics (formerly Invitae), Labcorp
Classification: Pathogenic. Last evaluated: 2019-07-11. Review status: criteria provided, single submitter. Criteria: Invitae Variant Classification Sherloc (09022015). Collection method: clinical testing. Allele origin: germline.
Comment: This variant has not been reported in the literature in individuals with VPS13A-related conditions. For these reasons, this variant has been classified as Pathogenic. Loss-of-function variants in VPS13A are known to be pathogenic (PMID: 12404112, 21598378). This variant is not present in population databases (ExAC no frequency). This sequence change creates a premature translational stop signal (p.Leu1899Hisfs*26) in the VPS13A gene. It is expected to result in an absent or disrupted protein product.

Literature cited by the submitters: PubMed 12404112; PubMed 21598378.

NM_033305.3(VPS13A):c.5696_5700del (p.Leu1899fs)

Gene: VPS13A (vacuolar protein sorting 13 homolog A; plus strand). Cytogenetic location: 9q21.2.
Variant type: Deletion.
Coding change: c.5696_5700del on transcript NM_033305.3 (MANE Select); coding-DNA positions 5696 to 5700, 5 bases deleted (TCAAC; older notation c.5696_5700delTCAAC).
Protein change: p.Leu1899fs; shifts the reading frame from leucine 1899.
Molecular consequence: frameshift variant.
Genome position (GRCh38, 1-based): chr9:77,321,612-77,321,616, TCAAC deleted; deleting any 5 consecutive bases within chr9:77,321,610-77,321,616 gives the same sequence; the c. name uses the placement nearest the transcript's 3' end. VCF-style (leftmost placement, unchanged base first): chr9-77321609-TACTCA-T. GRCh37 (hg19) VCF-style: chr9-79936525-TACTCA-T.
Other names: c.5579_5583del, p.Leu1860fs (NM_001018037.2); c.5696_5700del, p.Leu1899fs (NM_001018038.3, NM_015186.4); short protein forms L1860fs, L1899fs.
Identifiers: ClinVar variation 951409 (VCV000951409.7), dbSNP rs1829753665, ClinGen allele CA1139661008.